The following is an entry in ClinVar:

NM_001005242.3(PKP2):c.4G>T (p.Ala2Ser)

Gene: PKP2 (plakophilin 2; minus strand). Cytogenetic location: 12p11.21.
Variant type: single nucleotide variant.
Coding change: c.4G>T on transcript NM_001005242.3 (MANE Select); coding-DNA position 4, G replaced by T.
Protein change: p.Ala2Ser; replaces alanine 2 with serine.
Molecular consequence: missense variant. On other transcripts: 5 prime UTR variant (4).
Genome position (GRCh38, 1-based): chr12:32,896,728, C>A on the plus strand (G>T on the coding strand, the complement: PKP2 is on the minus strand). VCF-style: chr12-32896728-C-A. GRCh37 (hg19) VCF-style: chr12-33049662-C-A.
Other names: c.4G>T, p.Ala2Ser (NM_001407155.1, NM_001407156.1, NM_001407157.1 and 2 more transcripts); c.-823G>T (NM_001407158.1, NM_001407162.1); c.-587G>T (NM_001407159.1, NM_001407160.1); short protein forms A2S.
Identifiers: ClinVar variation 4138100 (VCV004138100.2).

ClinVar aggregate classification (germline): Uncertain significance. Review status: criteria provided, multiple submitters, no conflicts (2 of 4 stars). 2 submissions from 2 submitters: Uncertain significance (2). Last evaluated 2025-08-03.

Conditions:
Cardiovascular phenotype. Identifiers: MedGen CN230736.
Arrhythmogenic right ventricular dysplasia 9 (ARVD9). Also called: Arrhythmogenic Right Ventricular Dysplasia/Cardiomyopathy 9; ARRHYTHMOGENIC RIGHT VENTRICULAR DYSPLASIA, FAMILIAL, 9. Identifiers: MedGen C1836906, MONDO:0012180, OMIM 609040.

Submissions (2):

Ambry Genetics
Classification: Uncertain significance for Cardiovascular phenotype. Last evaluated: 2025-08-03. Review status: criteria provided, single submitter. Criteria: Ambry Variant Classification Scheme 2023. Collection method: clinical testing. Allele origin: germline.
Comment: The p.A2S variant (also known as c.4G>T), located in coding exon 1 of the PKP2 gene, results from a G to T substitution at nucleotide position 4. The alanine at codon 2 is replaced by serine, an amino acid with similar properties. This amino acid position is conserved. In addition, the in silico prediction for this alteration is inconclusive. Based on the available evidence, the clinical significance of this variant remains unclear.

Labcorp Genetics (formerly Invitae), Labcorp
Classification: Uncertain significance for Arrhythmogenic right ventricular dysplasia 9. Last evaluated: 2025-04-27. Review status: criteria provided, single submitter. Criteria: Invitae Variant Classification Sherloc (09022015). Collection method: clinical testing. Allele origin: germline.
Comment: This sequence change replaces alanine, which is neutral and non-polar, with serine, which is neutral and polar, at codon 2 of the PKP2 protein (p.Ala2Ser). This variant is not present in population databases (gnomAD no frequency). This variant has not been reported in the literature in individuals affected with PKP2-related conditions. An algorithm developed to predict the effect of missense changes on protein structure and function (PolyPhen-2) suggests that this variant is likely to be disruptive. In summary, the available evidence is currently insufficient to determine the role of this variant in disease. Therefore, it has been classified as a Variant of Uncertain Significance.